The following is an entry in ClinVar:

ClinVar aggregate classification (germline): Uncertain significance. Review status: criteria provided, multiple submitters, no conflicts (2 of 4 stars). 4 submissions from 4 submitters: Uncertain significance (3). 1 of the submissions does not count toward it. Last evaluated 2026-02-13.

Conditions:
Retinitis pigmentosa 25 (RP25). Identifiers: Orphanet 791, MedGen C1864446, MONDO:0011272, OMIM 602772.
EYS-related disorder. Also called: EYS-related condition.

Allele frequency attached by ClinVar (database versions not stated): ExAC below 0.00001; gnomAD exomes 0.00001 and 0.00002; TOPMed 0.00012; 1000 Genomes Project 30x 0.00016; 1000 Genomes Project 0.00020.
gnomAD v4.1: 33 of 1,551,362 alleles (0.0021%); highest among the groups gnomAD compares: African/African-American, 0.042%; no homozygotes.

Submissions (4):

PreventionGenetics, part of Exact Sciences
Classification: Uncertain significance for EYS-related condition. Last evaluated: 2026-02-13. Review status: criteria provided, single submitter. Criteria: ACMG Guidelines, 2015. Collection method: clinical testing. Allele origin: germline.
Comment: The EYS c.5448T>A variant is predicted to result in the amino acid substitution p.Asp1816Glu. To our knowledge, this variant has not been reported in the literature. This variant is reported in 0.036% of alleles in individuals of African descent in gnomAD. At this time, the clinical significance of this variant is uncertain due to the absence of conclusive functional and genetic evidence.

Labcorp Genetics (formerly Invitae), Labcorp
Classification: Uncertain significance. Last evaluated: 2025-08-24. Review status: criteria provided, single submitter. Criteria: Invitae Variant Classification Sherloc (09022015). Collection method: clinical testing. Allele origin: germline.
Comment: This sequence change replaces aspartic acid, which is acidic and polar, with glutamic acid, which is acidic and polar, at codon 1816 of the EYS protein (p.Asp1816Glu). This variant is present in population databases (rs529055258, gnomAD 0.04%). This variant has not been reported in the literature in individuals affected with EYS-related conditions. ClinVar contains an entry for this variant (Variation ID: 853686). Invitae Evidence Modeling of protein sequence and biophysical properties (such as structural, functional, and spatial information, amino acid conservation, physicochemical variation, residue mobility, and thermodynamic stability) indicates that this missense variant is not expected to disrupt EYS protein function with a negative predictive value of 80%. In summary, the available evidence is currently insufficient to determine the role of this variant in disease. Therefore, it has been classified as a Variant of Uncertain Significance.

Blueprint Genetics
Classification: Uncertain significance. Last evaluated: 2022-11-04. Review status: criteria provided, single submitter. Criteria: ACMG Guidelines, 2015. Collection method: clinical testing. Allele origin: germline.

Natera, Inc.
Classification: Uncertain significance for Retinitis pigmentosa type 25. Last evaluated: 2020-03-10. Review status: no assertion criteria provided. Collection method: clinical testing. Allele origin: germline. Not counted in ClinVar's aggregate classification.

NM_001142800.2(EYS):c.5448T>A (p.Asp1816Glu)

Gene: EYS (EGF-like photoreceptor maintenance factor; minus strand). Cytogenetic location: 6q12.
Variant type: single nucleotide variant.
Coding change: c.5448T>A on transcript NM_001142800.2 (MANE Select); coding-DNA position 5448, T replaced by A.
Protein change: p.Asp1816Glu; replaces aspartic acid 1816 with glutamic acid.
Molecular consequence: missense variant.
Genome position (GRCh38, 1-based): chr6:64,590,419, A>T on the plus strand (T>A on the coding strand, the complement: EYS is on the minus strand). VCF-style: chr6-64590419-A-T. GRCh37 (hg19) VCF-style: chr6-65300312-A-T.
Other names: c.5448T>A, p.Asp1816Glu (NM_001292009.2); short protein forms D1816E.
Identifiers: ClinVar variation 853686 (VCV000853686.9), dbSNP rs529055258, ClinGen allele CA3877015.